The following is an entry in ClinVar:

NM_020937.4(FANCM):c.3308A>C (p.His1103Pro)

Gene: FANCM (FA complementation group M; plus strand). Cytogenetic location: 14q21.2.
Variant type: single nucleotide variant.
Coding change: c.3308A>C on transcript NM_020937.4 (MANE Select); coding-DNA position 3308, A replaced by C.
Protein change: p.His1103Pro; replaces histidine 1103 with proline.
Molecular consequence: missense variant.
Genome position (GRCh38, 1-based): chr14:45,176,062, A>C. VCF-style: chr14-45176062-A-C. GRCh37 (hg19) VCF-style: chr14-45645265-A-C.
Other names: c.3308A>C (NM_020937.2, NM_020937.3); c.3230A>C, p.His1077Pro (NM_001308133.2); short protein forms H1077P, H1103P.
Identifiers: ClinVar variation 1006589 (VCV001006589.13), dbSNP rs191339110, ClinGen allele CA7169493.

ClinVar aggregate classification (germline): Uncertain significance. Review status: criteria provided, multiple submitters, no conflicts (2 of 4 stars). 4 submissions from 4 submitters: Uncertain significance (4). Last evaluated 2025-09-19.

Conditions:
Fanconi anemia (FA). Also called: Fanconi's anemia. Identifiers: Orphanet 84, MedGen C0015625, MeSH D005199, MONDO:0019391.

Allele frequency attached by ClinVar (database versions not stated): gnomAD exomes below 0.00001 and 0.00002; ExAC 0.00001; gnomAD 0.00001 and 0.00002; TOPMed 0.00001; 1000 Genomes Project 0.00020; 1000 Genomes Project 30x 0.00031.
gnomAD v4.1: 7 of 1,614,114 alleles (0.00043%); highest among the groups gnomAD compares: East Asian, 0.016%; no homozygotes.

Submissions (4):

Quest Diagnostics Nichols Institute San Juan Capistrano
Classification: Uncertain significance. Last evaluated: 2025-09-19. Review status: criteria provided, single submitter. Criteria: Quest Diagnostics criteria. Collection method: clinical testing. Allele origin: unknown.
Comment: The FANCM c.3308A>C (p.His1103Pro) variant has been reported in the published literature in individuals with breast cancer (PMID: 33163394 (2020)), non-small cell lung cancer (PMID: 31186761 (2019)), and high-grade astrocytoma (PMID: 40469416 (2025)). The frequency of this variant in the general population (Genome Aggregation Database) is uninformative in the assessment of its pathogenicity. Analysis of this variant using bioinformatics tools for the prediction of the effect of amino acid changes on protein structure and function yielded predictions that this variant is benign. Based on the available information, we are unable to determine the clinical significance of this variant.

GeneDx
Classification: Uncertain significance. Last evaluated: 2024-02-16. Review status: criteria provided, single submitter. Criteria: GeneDx Variant Classification Process June 2021. Collection method: clinical testing. Allele origin: germline. Affected: yes.
Comment: In silico analysis supports that this missense variant has a deleterious effect on protein structure/function; Identified in a patient with metastatic breast cancer who harbored additional variants in other cancer-related genes and in a patient with nonsmall cell lung cancer (NSCLC) in published literature (PMID: 33163394, 31186761); This variant is associated with the following publications: (PMID: 33163394, 31186761)

Labcorp Genetics (formerly Invitae), Labcorp
Classification: Uncertain significance for Fanconi anemia. Last evaluated: 2023-09-25. Review status: criteria provided, single submitter. Criteria: Invitae Variant Classification Sherloc (09022015). Collection method: clinical testing. Allele origin: germline.
Comment: This sequence change replaces histidine, which is basic and polar, with proline, which is neutral and non-polar, at codon 1103 of the FANCM protein (p.His1103Pro). This variant is present in population databases (rs191339110, gnomAD 0.02%). This variant has not been reported in the literature in individuals affected with FANCM-related conditions. ClinVar contains an entry for this variant (Variation ID: 1006589). An algorithm developed to predict the effect of missense changes on protein structure and function (PolyPhen-2) suggests that this variant is likely to be tolerated. In summary, the available evidence is currently insufficient to determine the role of this variant in disease. Therefore, it has been classified as a Variant of Uncertain Significance.

Breakthrough Genomics
Classification: Uncertain significance. Review status: criteria provided, single submitter. Criteria: ACMG Guidelines, 2015. Collection method: not provided. Allele origin: germline. Inheritance: Autosomal recessive inheritance. Affected: yes.

Literature cited by the submitters: PubMed 31186761 (cited by Quest Diagnostics Nichols Institute San Juan Capistrano); PubMed 40469416 (cited by Quest Diagnostics Nichols Institute San Juan Capistrano); PubMed 33163394 (cited by Quest Diagnostics Nichols Institute San Juan Capistrano).